The following is an entry in ClinVar:

NM_032590.5(KDM2B):c.2686G>T (p.Glu896Ter)

Gene: KDM2B (lysine demethylase 2B; minus strand). Cytogenetic location: 12q24.31.
Variant type: single nucleotide variant.
Coding change: c.2686G>T on transcript NM_032590.5 (MANE Select); coding-DNA position 2686, G replaced by T.
Protein change: p.Glu896Ter; replaces glutamic acid 896 with a stop codon.
Molecular consequence: nonsense.
Genome position (GRCh38, 1-based): chr12:121,442,755, C>A on the plus strand (G>T on the coding strand, the complement: KDM2B is on the minus strand). VCF-style: chr12-121442755-C-A. GRCh37 (hg19) VCF-style: chr12-121880558-C-A.
Other names: c.2479G>T, p.Glu827Ter (NM_001005366.2); short protein forms E827*, E896*.
Identifiers: ClinVar variation 2630844 (VCV002630844.1), dbSNP rs782039115, ClinGen allele CA386974349.

ClinVar aggregate classification (germline): Uncertain significance (1 of 4 stars; one submission).

Conditions:
KDM2B-related disorder. Also called: KDM2B-related condition.

Submission:

PreventionGenetics, part of Exact Sciences
Classification: Uncertain significance for KDM2B-related condition. Last evaluated: 2023-09-20. Review status: criteria provided, single submitter. Criteria: ACMG Guidelines, 2015. Collection method: clinical testing. Allele origin: germline.
Comment: The KDM2B c.2686G>T variant is predicted to result in premature protein termination (p.Glu896*). To our knowledge, this variant has not been reported in the literature or in a large population database, indicating this variant is rare. Although we suspect that this variant may be pathogenic, at this time, the clinical significance of this variant is uncertain due to the absence of conclusive functional and genetic evidence.